The following is an entry in ClinVar:

NM_002471.4(MYH6):c.404A>G (p.Asn135Ser)

Genes: MYH6 (myosin heavy chain 6; minus strand), LOC114827851 (VISTA enhancer hs2155; plus strand). Cytogenetic location: 14q11.2.
Variant type: single nucleotide variant.
Coding change: c.404A>G on transcript NM_002471.4 (MANE Select); coding-DNA position 404, A replaced by G.
Protein change: p.Asn135Ser; replaces asparagine 135 with serine.
Molecular consequence: missense variant.
Genome position (GRCh38, 1-based): chr14:23,405,321, T>C on the plus strand (A>G on the coding strand, the complement: MYH6 is on the minus strand). VCF-style: chr14-23405321-T-C. GRCh37 (hg19) VCF-style: chr14-23874530-T-C.
Other names: short protein forms N135S.
Identifiers: ClinVar variation 2452914 (VCV002452914.2), dbSNP rs763885051, ClinGen allele CA7116176.
Genomic context (GRCh38, chr14:23,405,321, plus strand): 5'-AAGATGTGGGGCGGGGCCTCACTCCTCTTCTTGCCCCGGTAGGCGGCCACCACCTCGGCA[T>C]TGTACACCGGCAGCCACTTGTAGGGGTTGACAGTGACACAGAAGAGGCCCGAGTAGGTCT-3'
Protein context (NP_002462.2, residues 125-145): VNPYKWLPVY[Asn135Ser]AEVVAAYRGK

ClinVar aggregate classification (germline): Uncertain significance (1 of 4 stars; one submission).

Conditions:
Cardiovascular phenotype. Identifiers: MedGen CN230736.

Allele frequency attached by ClinVar (database versions not stated): gnomAD exomes 0.00001; TOPMed 0.00001; ExAC 0.00002; gnomAD 0.00002.
gnomAD v4.1: 19 of 1,613,986 alleles (0.0012%); highest among the groups gnomAD compares: East Asian, 0.011%; no homozygotes.

Submission:

Ambry Genetics
Classification: Uncertain significance for Cardiovascular phenotype. Last evaluated: 2022-12-09. Review status: criteria provided, single submitter. Criteria: Ambry Variant Classification Scheme 2023. Collection method: clinical testing. Allele origin: germline.
Comment: The p.N135S variant (also known as c.404A>G), located in coding exon 3 of the MYH6 gene, results from an A to G substitution at nucleotide position 404. The asparagine at codon 135 is replaced by serine, an amino acid with highly similar properties. This variant has been detected in a dilated cardiomyopathy cohort; however, details were limited (Zhang XL et al. Sci Rep, 2020 Feb;10:2226). This amino acid position is well conserved in available vertebrate species. In addition, this alteration is predicted to be tolerated by in silico analysis. Since supporting evidence is conflicting at this time, the clinical significance of this alteration remains unclear.

Literature cited by the submitters: PubMed 32041989.